The following is an entry in ClinVar:

ClinVar aggregate classification (germline): Benign/Likely benign. Review status: criteria provided, multiple submitters, no conflicts (2 of 4 stars). 3 submissions from 3 submitters: Benign (1); Likely benign (2). Last evaluated 2024-10-02.

Conditions:
Hereditary cancer-predisposing syndrome. Also called: Hereditary Cancer Syndrome; Tumor predisposition; Hereditary neoplastic syndrome; Neoplastic Syndromes, Hereditary. Identifiers: Orphanet 140162, MedGen C0027672, MeSH D009386, MONDO:0015356.
Familial cancer of breast. Also called: hereditary breast carcinoma; Hereditary breast cancer; BREAST CANCER, FAMILIAL. Identifiers: Orphanet 227535, MedGen C0346153, MONDO:0016419, OMIM 114480. Disease mechanism: loss of function.

Submissions (3):

Myriad Genetics, Inc.
Classification: Benign for Familial cancer of breast. Last evaluated: 2024-10-02. Review status: criteria provided, single submitter. Criteria: Myriad Autosomal Dominant, Autosomal Recessive and X-Linked Classification Criteria (2023). Collection method: clinical testing. Allele origin: unknown.
Comment: This variant is considered benign. This variant is a silent/synonymous amino acid change and it is not expected to impact splicing.

Labcorp Genetics (formerly Invitae), Labcorp
Classification: Likely benign for Familial cancer of breast. Last evaluated: 2023-11-27. Review status: criteria provided, single submitter. Criteria: Invitae Variant Classification Sherloc (09022015). Collection method: clinical testing. Allele origin: germline.

Ambry Genetics
Classification: Likely benign for Hereditary cancer-predisposing syndrome. Last evaluated: 2021-12-05. Review status: criteria provided, single submitter. Criteria: Ambry Variant Classification Scheme 2023. Collection method: clinical testing. Allele origin: germline.

NM_007194.4(CHEK2):c.300G>A (p.Gln100=)

Gene: CHEK2 (checkpoint kinase 2; minus strand). Cytogenetic location: 22q12.1.
Variant type: single nucleotide variant.
Coding change: c.300G>A on transcript NM_007194.4 (MANE Select); coding-DNA position 300, G replaced by A.
Protein change: p.Gln100=; no amino-acid change (glutamine 100 retained).
Molecular consequence: synonymous variant.
Genome position (GRCh38, 1-based): chr22:28,734,422, C>T on the plus strand (G>A on the coding strand, the complement: CHEK2 is on the minus strand). VCF-style: chr22-28734422-C-T. GRCh37 (hg19) VCF-style: chr22-29130410-C-T.
Other names: c.300G>A, p.Gln100= (NM_001005735.3, NM_001349956.3, NM_145862.3); c.-478G>A (NM_001257387.3).
Identifiers: ClinVar variation 1408938 (VCV001408938.12), dbSNP rs1456691189, ClinGen allele CA513946420.